The following is an entry in ClinVar:

ClinVar aggregate classification (germline): Uncertain significance. Review status: criteria provided, multiple submitters, no conflicts (2 of 4 stars). 2 submissions from 2 submitters: Uncertain significance (2). Last evaluated 2022-11-01.

Allele frequency attached by ClinVar (database versions not stated): gnomAD exomes 0.00001.
gnomAD v4.1: 7 of 1,538,188 alleles (0.00046%); highest among the groups gnomAD compares: Non-Finnish European, 0.00061%; no homozygotes.

Submissions (2):

CeGaT Center for Human Genetics Tuebingen
Classification: Uncertain significance. Last evaluated: 2022-11-01. Review status: criteria provided, single submitter. Criteria: CeGaT Center For Human Genetics Tuebingen Variant Classification Criteria Version 2. Collection method: clinical testing. Allele origin: germline. Affected: yes. Observed: 1 variant allele.
Comment: ARID1B: PM2

Blueprint Genetics
Classification: Uncertain significance. Last evaluated: 2020-10-27. Review status: criteria provided, single submitter. Criteria: ACMG Guidelines, 2015. Collection method: clinical testing. Allele origin: germline.

NM_001374828.1(ARID1B):c.518C>A (p.Ala173Asp)

Genes: ARID1B (AT-rich interaction domain 1B; plus strand), LOC115308161 (uncharacterized LOC115308161; minus strand). Cytogenetic location: 6q25.3.
Variant type: single nucleotide variant.
Coding change: c.518C>A on transcript NM_001374828.1 (MANE Select); coding-DNA position 518, C replaced by A.
Protein change: p.Ala173Asp; replaces alanine 173 with aspartic acid.
Molecular consequence: missense variant.
Genome position (GRCh38, 1-based): chr6:156,778,198, C>A. VCF-style: chr6-156778198-C-A. GRCh37 (hg19) VCF-style: chr6-157099332-C-A.
Other names: c.269C>A, p.Ala90Asp (NM_001346813.1, NM_020732.3); c.518C>A, p.Ala173Asp (NM_001371656.1, NM_001374820.1, NM_017519.3); c.95C>A, p.Ala32Asp (NM_175863.2); short protein forms A173D, A32D, A90D.
Identifiers: ClinVar variation 2657051 (VCV002657051.25), dbSNP rs1778794119, ClinGen allele CA366381482.